The following is an entry in ClinVar:

NM_181332.3(NLGN4X):c.2111G>A (p.Arg704His)

Gene: NLGN4X (neuroligin 4 X-linked; minus strand). Cytogenetic location: Xp22.32.
Variant type: single nucleotide variant.
Coding change: c.2111G>A on transcript NM_181332.3 (MANE Select); coding-DNA position 2111, G replaced by A.
Protein change: p.Arg704His; replaces arginine 704 with histidine.
Molecular consequence: missense variant.
Genome position (GRCh38, 1-based): chrX:5,893,157, C>T on the plus strand (G>A on the coding strand, the complement: NLGN4X is on the minus strand). VCF-style: chrX-5893157-C-T. GRCh37 (hg19) VCF-style: chrX-5811198-C-T.
Other names: c.2111G>A, p.Arg704His (NM_001282145.2, NM_001282146.2, NM_020742.4); short protein forms R704H.
Identifiers: ClinVar variation 1208668 (VCV001208668.7), dbSNP rs1413281953, ClinGen allele CA412012976.

ClinVar aggregate classification (germline): Conflicting classifications of pathogenicity. Review status: criteria provided, conflicting classifications (1 of 4 stars). 2 submissions from 2 submitters: Uncertain significance (1); Likely benign (1). Last evaluated 2026-03-01.

Allele frequency attached by ClinVar (database versions not stated): TOPMed 0.00001.

Submissions (2):

CeGaT Center for Human Genetics Tuebingen
Classification: Likely benign. Last evaluated: 2026-03-01. Review status: criteria provided, single submitter. Criteria: CeGaT Center For Human Genetics Tuebingen Variant Classification Criteria Version 2. Collection method: clinical testing. Allele origin: germline. Affected: yes. Observed: 1 variant allele.
Comment: NLGN4X: PM5, BS2

GeneDx
Classification: Uncertain significance. Last evaluated: 2019-10-14. Review status: criteria provided, single submitter. Criteria: GeneDx Variant Classification Process June 2021. Collection method: clinical testing. Allele origin: germline. Affected: yes.
Comment: Not observed in large population cohorts (Lek et al., 2016); In silico analysis, which includes protein predictors and evolutionary conservation, supports that this variant does not alter protein structure/function; Has not been previously published as pathogenic or benign to our knowledge